The following is an entry in ClinVar:

NM_004304.5(ALK):c.574G>C (p.Glu192Gln)

Gene: ALK (ALK receptor tyrosine kinase; minus strand). Cytogenetic location: 2p23.1.
Variant type: single nucleotide variant.
Coding change: c.574G>C on transcript NM_004304.5 (MANE Select); coding-DNA position 574, G replaced by C.
Protein change: p.Glu192Gln; replaces glutamic acid 192 with glutamine.
Molecular consequence: missense variant.
Genome position (GRCh38, 1-based): chr2:29,920,086, C>G on the plus strand (G>C on the coding strand, the complement: ALK is on the minus strand). VCF-style: chr2-29920086-C-G. GRCh37 (hg19) VCF-style: chr2-30142952-C-G.
Other names: c.574G>C (NM_004304.4); short protein forms E192Q.
Identifiers: ClinVar variation 2793401 (VCV002793401.4), dbSNP rs770006984, ClinGen allele CA346589770.
Genomic context (GRCh38, chr2:29,920,086, plus strand): 5'-GGGAGGCGCGAATTGCCGCGGACAGCCTTCCCTCTCTGCCCACTTCCGACGCCTTCTTCT[C>G]GGGCATCAGGCGGATCCTCAGTCGCCCTTCGCCTTGGCGAATCCACCAACTGAACAGCTC-3'
Protein context (NP_004295.2, residues 182-202): EGRLRIRLMP[Glu192Gln]KKASEVGREG

ClinVar aggregate classification (germline): Uncertain significance. Review status: criteria provided, multiple submitters, no conflicts (2 of 4 stars). 2 submissions from 2 submitters: Uncertain significance (2). Last evaluated 2025-11-15.

Conditions:
Hereditary cancer-predisposing syndrome. Also called: Hereditary neoplastic syndrome; Neoplastic Syndromes, Hereditary; Tumor predisposition; Hereditary Cancer Syndrome. Identifiers: Orphanet 140162, MedGen C0027672, MeSH D009386, MONDO:0015356.
Neuroblastoma, susceptibility to, 3. Also called: ALK-Related Neuroblastic Tumor Susceptibility. Identifiers: Orphanet 635, MedGen C2751681, MONDO:0013083, OMIM 613014.

gnomAD v4.1: 10 of 1,614,192 alleles (0.00062%); highest among the groups gnomAD compares: Non-Finnish European, 0.00085%; no homozygotes.

Submissions (2):

Ambry Genetics
Classification: Uncertain significance for Hereditary cancer-predisposing syndrome. Last evaluated: 2025-11-15. Review status: criteria provided, single submitter. Criteria: Ambry Variant Classification Scheme 2023. Collection method: clinical testing. Allele origin: germline.
Comment: The p.E192Q variant (also known as c.574G>C), located in coding exon 1 of the ALK gene, results from a G to C substitution at nucleotide position 574. The glutamic acid at codon 192 is replaced by glutamine, an amino acid with highly similar properties. This amino acid position is conserved. In addition, the in silico prediction for this alteration is inconclusive. Based on the available evidence, the clinical significance of this variant remains unclear.

Labcorp Genetics (formerly Invitae), Labcorp
Classification: Uncertain significance for Neuroblastoma, susceptibility to, 3. Last evaluated: 2024-01-24. Review status: criteria provided, single submitter. Criteria: Invitae Variant Classification Sherloc (09022015). Collection method: clinical testing. Allele origin: germline.
Comment: This sequence change replaces glutamic acid, which is acidic and polar, with glutamine, which is neutral and polar, at codon 192 of the ALK protein (p.Glu192Gln). This variant is not present in population databases (gnomAD no frequency). This variant has not been reported in the literature in individuals affected with ALK-related conditions. An algorithm developed to predict the effect of missense changes on protein structure and function (PolyPhen-2) suggests that this variant is likely to be disruptive. In summary, the available evidence is currently insufficient to determine the role of this variant in disease. Therefore, it has been classified as a Variant of Uncertain Significance.